The following is an entry in ClinVar:

ClinVar aggregate classification (germline): Conflicting classifications of pathogenicity. Review status: criteria provided, conflicting classifications (1 of 4 stars). 8 submissions from 8 submitters: Uncertain significance (2); Benign (2); Likely benign (4). Last evaluated 2025-12-15.

Conditions:
Progressive sclerosing poliodystrophy (MTDPS4A). Also called: NEURONAL DEGENERATION OF CHILDHOOD WITH LIVER DISEASE, PROGRESSIVE; Alpers Syndrome; ALPERS DIFFUSE DEGENERATION OF CEREBRAL GRAY MATTER WITH HEPATIC CIRRHOSIS; Mitochondrial DNA depletion syndrome 4A (Alpers type); ALPERS PROGRESSIVE INFANTILE POLIODYSTROPHY; Alpers-Huttenlocher Syndrome. Identifiers: Orphanet 726, MedGen C0205710, MONDO:0008758, OMIM 203700.

Allele frequency attached by ClinVar (database versions not stated): ExAC 0.00006; gnomAD exomes 0.00006; TOPMed 0.00017; gnomAD 0.00024; 1000 Genomes Project 30x 0.00078; 1000 Genomes Project 0.00080.
gnomAD v4.1: 108 of 1,612,186 alleles (0.0067%); highest among the groups gnomAD compares: African/African-American, 0.055%; no homozygotes.

Submissions (8):

Labcorp Genetics (formerly Invitae), Labcorp
Classification: Likely benign for Progressive sclerosing poliodystrophy. Last evaluated: 2025-12-15. Review status: criteria provided, single submitter. Criteria: Invitae Variant Classification Sherloc (09022015). Collection method: clinical testing. Allele origin: germline.

CeGaT Center for Human Genetics Tuebingen
Classification: Uncertain significance. Last evaluated: 2025-11-01. Review status: criteria provided, single submitter. Criteria: CeGaT Center For Human Genetics Tuebingen Variant Classification Criteria Version 2. Collection method: clinical testing. Allele origin: germline. Affected: yes. Observed: 1 variant allele.
Comment: POLG: PM2, BP4

Mayo Clinic Laboratories, Mayo Clinic
Classification: Likely benign. Last evaluated: 2024-10-22. Review status: criteria provided, single submitter. Criteria: ACMG Guidelines, 2015. Collection method: clinical testing. Allele origin: germline. Observed: 1 variant allele.
Comment: BP4, BP7

Wong Mito Lab, Molecular and Human Genetics, Baylor College of Medicine
Classification: Likely benign for Progressive sclerosing poliodystrophy. Last evaluated: 2018-10-01. Review status: criteria provided, single submitter. Criteria: ACMG Guidelines, 2015. Collection method: clinical testing. Allele origin: germline.
Comment: The NM_002693.2:c.3482+7G>A (NP_002684.1:p.=) [GRCH38: NC_000015.10:g.89318534C>T] variant in POLG gene is interpretated to be a Likely Benign based on ACMG guidelines (PMID: 25741868). This variant meets the following evidence codes reported in the ACMG-guideline. BP4:Computational evidence/predictors indicate no impact on the POLG structure, function, or protein-protein interaction. BP6:Reputable source(s) without shared data suggest the variant is benign. Based on the evidence criteria codes applied, the variant is suggested to be Likely Benign.

Eurofins Ntd Llc (ga)
Classification: Uncertain significance. Last evaluated: 2018-04-30. Review status: criteria provided, single submitter. Criteria: EGL ClinVar v180209 classification definitions. Collection method: clinical testing. Allele origin: germline. Observed: 4 variant alleles, 4 heterozygotes.

GeneDx
Classification: Benign. Last evaluated: 2014-01-17. Review status: criteria provided, single submitter. Criteria: GeneDx Variant Classification (06012015). Collection method: clinical testing. Allele origin: germline. Affected: yes.
Comment: This variant is considered likely benign or benign based on one or more of the following criteria: it is a conservative change, it occurs at a poorly conserved position in the protein, it is predicted to be benign by multiple in silico algorithms, and/or has population frequency not consistent with disease.

Genetic Services Laboratory, University of Chicago
Classification: Likely benign for AllHighlyPenetrant. Last evaluated: 2013-11-26. Review status: criteria provided, single submitter. Criteria: ACMG Guidelines, 2007. Collection method: clinical testing. Allele origin: germline. Inheritance: Autosomal recessive inheritance.

PreventionGenetics, part of Exact Sciences
Classification: Benign. Review status: criteria provided, single submitter. Criteria: ACMG Guidelines, 2015. Collection method: clinical testing. Allele origin: germline.

NM_002693.3(POLG):c.3482+7G>A

Gene: POLG (DNA polymerase gamma, catalytic subunit; minus strand). Cytogenetic location: 15q26.1.
Variant type: single nucleotide variant.
Coding change: c.3482+7G>A on transcript NM_002693.3 (MANE Select); 7 bases into the intron after coding-DNA position 3482, G replaced by A.
Molecular consequence: intron variant.
Genome position (GRCh38, 1-based): chr15:89,318,534, C>T on the plus strand (G>A on the coding strand, the complement: POLG is on the minus strand). VCF-style: chr15-89318534-C-T. GRCh37 (hg19) VCF-style: chr15-89861765-C-T.
Other names: p.?; c.3482+7G>A (NM_001126131.2).
Identifiers: ClinVar variation 129996 (VCV000129996.27), dbSNP rs200309191, ClinGen allele CA288988.